The following is an entry in ClinVar:

ClinVar aggregate classification (germline): Uncertain significance (1 of 4 stars; one submission).

Submission:

Labcorp Genetics (formerly Invitae), Labcorp
Classification: Uncertain significance. Last evaluated: 2025-06-23. Review status: criteria provided, single submitter. Criteria: Invitae Variant Classification Sherloc (09022015). Collection method: clinical testing. Allele origin: germline.
Comment: This sequence change replaces threonine, which is neutral and polar, with isoleucine, which is neutral and non-polar, at codon 26 of the PPA2 protein (p.Thr26Ile). This variant is not present in population databases (gnomAD no frequency). This variant has not been reported in the literature in individuals affected with PPA2-related conditions. ClinVar contains an entry for this variant (Variation ID: 1373532). Invitae Evidence Modeling of protein sequence and biophysical properties (such as structural, functional, and spatial information, amino acid conservation, physicochemical variation, residue mobility, and thermodynamic stability) indicates that this missense variant is not expected to disrupt PPA2 protein function with a negative predictive value of 95%. In summary, the available evidence is currently insufficient to determine the role of this variant in disease. Therefore, it has been classified as a Variant of Uncertain Significance.

NM_176869.3(PPA2):c.77C>T (p.Thr26Ile)

Gene: PPA2 (inorganic pyrophosphatase 2; minus strand). Cytogenetic location: 4q24.
Variant type: single nucleotide variant.
Coding change: c.77C>T on transcript NM_176869.3 (MANE Select); coding-DNA position 77, C replaced by T.
Protein change: p.Thr26Ile; replaces threonine 26 with isoleucine.
Molecular consequence: missense variant.
Genome position (GRCh38, 1-based): chr4:105,473,974, G>A on the plus strand (C>T on the coding strand, the complement: PPA2 is on the minus strand). VCF-style: chr4-105473974-G-A. GRCh37 (hg19) VCF-style: chr4-106395131-G-A.
Other names: c.77C>T, p.Thr26Ile (NM_006903.4, NM_176866.2, NM_176867.3); short protein forms T26I.
Identifiers: ClinVar variation 1373532 (VCV001373532.4), dbSNP rs2110340035, ClinGen allele CA357968021.